The following is an entry in ClinVar:

NM_006415.4(SPTLC1):c.1061A>G (p.Asn354Ser)

Gene: SPTLC1 (serine palmitoyltransferase long chain base subunit 1; minus strand). Cytogenetic location: 9q22.31.
Variant type: single nucleotide variant.
Coding change: c.1061A>G on transcript NM_006415.4 (MANE Select); coding-DNA position 1061, A replaced by G.
Protein change: p.Asn354Ser; replaces asparagine 354 with serine.
Molecular consequence: missense variant.
Genome position (GRCh38, 1-based): chr9:92,047,192, T>C on the plus strand (A>G on the coding strand, the complement: SPTLC1 is on the minus strand). VCF-style: chr9-92047192-T-C. GRCh37 (hg19) VCF-style: chr9-94809474-T-C.
Other names: c.1061A>G, p.Asn354Ser (NM_001281303.2); c.695A>G, p.Asn232Ser (NM_001368272.1); c.596A>G, p.Asn199Ser (NM_001368273.1); short protein forms N232S, N354S, N199S.
Identifiers: ClinVar variation 771995 (VCV000771995.28), dbSNP rs141611018, ClinGen allele CA5121337.

ClinVar aggregate classification (germline): Likely benign. Review status: criteria provided, multiple submitters, no conflicts (2 of 4 stars). 4 submissions from 4 submitters: Likely benign (4). Last evaluated 2026-02-19.

Conditions:
Hereditary sensory and autonomic neuropathy type 1 (HSAN1). Also called: HSAN 1; HSN Type I; Hereditary Sensory Neuropathy Type I. Identifiers: Orphanet 36386, MedGen C0020071, MONDO:0018213.
SPTLC1-related disorder. Also called: SPTLC1-related condition.
Inborn genetic diseases. Identifiers: MedGen C0950123, MeSH D030342.

Allele frequency attached by ClinVar (database versions not stated): gnomAD exomes 0.00011 and 0.00003; gnomAD 0.00034 and 0.00033; ExAC 0.00014; 1000 Genomes Project 30x 0.00031; ESP Exome Variant Server 0.00023; TOPMed 0.00036; 1000 Genomes Project 0.00040.
gnomAD v4.1: 100 of 1,614,072 alleles (0.0062%); highest among the groups gnomAD compares: African/African-American, 0.11%; no homozygotes.

Submissions (4):

PreventionGenetics, part of Exact Sciences
Classification: Likely benign for SPTLC1-related condition. Last evaluated: 2026-02-19. Review status: criteria provided, single submitter. Criteria: ACMG Guidelines, 2015. Collection method: clinical testing. Allele origin: germline.
Comment: This variant is classified as likely benign based on ACMG/AMP sequence variant interpretation guidelines (Richards et al. 2015 PMID: 25741868, with internal and published modifications).

Labcorp Genetics (formerly Invitae), Labcorp
Classification: Likely benign for Hereditary sensory and autonomic neuropathy type 1. Last evaluated: 2025-10-19. Review status: criteria provided, single submitter. Criteria: Invitae Variant Classification Sherloc (09022015). Collection method: clinical testing. Allele origin: germline.

CeGaT Center for Human Genetics Tuebingen
Classification: Likely benign. Last evaluated: 2024-10-01. Review status: criteria provided, single submitter. Criteria: CeGaT Center For Human Genetics Tuebingen Variant Classification Criteria Version 2. Collection method: clinical testing. Allele origin: germline. Affected: yes. Observed: 1 variant allele.
Comment: SPTLC1: BS1

Ambry Genetics
Classification: Likely benign for Inborn genetic diseases. Last evaluated: 2020-01-08. Review status: criteria provided, single submitter. Criteria: Ambry Variant Classification Scheme 2023. Collection method: clinical testing. Allele origin: germline.